The following is an entry in ClinVar:

ClinVar aggregate classification (germline): Pathogenic/Likely pathogenic. Review status: criteria provided, multiple submitters, no conflicts (2 of 4 stars). 3 submissions from 3 submitters: Pathogenic (2); Likely pathogenic (1). Last evaluated 2026-01-25.

Conditions:
RYR2-related disorder. Also called: RYR2-related condition.
Catecholaminergic polymorphic ventricular tachycardia 1. Also called: VENTRICULAR TACHYCARDIA, CATECHOLAMINERGIC POLYMORPHIC, 1, WITH OR WITHOUT ATRIAL DYSFUNCTION AND/OR DILATED CARDIOMYOPATHY; VENTRICULAR TACHYCARDIA, STRESS-INDUCED POLYMORPHIC 1; RYR2-Related Catecholaminergic Polymorphic Ventricular Tachycardia. Identifiers: Orphanet 3286, MedGen C1631597, MONDO:0011484, OMIM 604772.

Submissions (3):

Labcorp Genetics (formerly Invitae), Labcorp
Classification: Pathogenic for Catecholaminergic polymorphic ventricular tachycardia 1. Last evaluated: 2026-01-25. Review status: criteria provided, single submitter. Criteria: Invitae Variant Classification Sherloc (09022015). Collection method: clinical testing. Allele origin: germline.
Comment: This sequence change replaces arginine, which is basic and polar, with glutamine, which is neutral and polar, at codon 4157 of the RYR2 protein (p.Arg4157Gln). This variant is not present in population databases (gnomAD no frequency). This missense change has been observed in individual(s) with clinical features of catecholaminergic polymorphic ventricular tachycardia (PMID: 28237968, 29453246; internal data). In at least one individual the variant was observed to be de novo. ClinVar contains an entry for this variant (Variation ID: 201333). Invitae Evidence Modeling of protein sequence and biophysical properties (such as structural, functional, and spatial information, amino acid conservation, physicochemical variation, residue mobility, and thermodynamic stability) has been performed for this missense variant. However, the output from this modeling did not meet the statistical confidence thresholds required to predict the impact of this variant on RYR2 protein function. For these reasons, this variant has been classified as Pathogenic.

GeneDx
Classification: Likely pathogenic. Last evaluated: 2024-02-23. Review status: criteria provided, single submitter. Criteria: GeneDx Variant Classification Process June 2021. Collection method: clinical testing. Allele origin: germline. Affected: yes.
Comment: Not observed at significant frequency in large population cohorts (gnomAD); Identified in patients with CPVT or suspected CPVT in published literature (PMID: 19926015, 28237968); In silico analysis supports that this missense variant has a deleterious effect on protein structure/function; This variant is associated with the following publications: (PMID: 19926015, 24025405, 28237968)

Blueprint Genetics
Classification: Pathogenic for RYR2-related disorders. Last evaluated: 2022-09-09. Review status: criteria provided, single submitter. Criteria: ACMG Guidelines, 2015. Collection method: clinical testing. Allele origin: germline. Affected: yes. Observed: 4 variant alleles.

Literature cited by the submitters: PubMed 28237968 (cited by Labcorp Genetics (formerly Invitae), Labcorp); PubMed 29453246 (cited by Labcorp Genetics (formerly Invitae), Labcorp).

NM_001035.3(RYR2):c.12470G>A (p.Arg4157Gln)

Genes: RYR2 (ryanodine receptor 2; plus strand), LOC126806068 (BRD4-independent group 4 enhancer GRCh37_chr1:237947411-237948610; plus strand). Cytogenetic location: 1q43.
Variant type: single nucleotide variant.
Coding change: c.12470G>A on transcript NM_001035.3 (MANE Select); coding-DNA position 12470, G replaced by A.
Protein change: p.Arg4157Gln; replaces arginine 4157 with glutamine.
Molecular consequence: missense variant.
Genome position (GRCh38, 1-based): chr1:237,784,182, G>A. VCF-style: chr1-237784182-G-A. GRCh37 (hg19) VCF-style: chr1-237947482-G-A.
Other names: p.R4157Q:CGA>CAA; c.12470G>A, p.Arg4157Gln (LRG_402t1); short protein forms R4157Q.
Identifiers: ClinVar variation 201333 (VCV000201333.16), dbSNP rs794728786, ClinGen allele CA007532.